The following is an entry in ClinVar:

NM_014249.4(NR2E3):c.83C>T (p.Ser28Phe)

Gene: NR2E3 (nuclear receptor subfamily 2 group E member 3; plus strand). Cytogenetic location: 15q23.
Variant type: single nucleotide variant.
Coding change: c.83C>T on transcript NM_014249.4 (MANE Select); coding-DNA position 83, C replaced by T.
Protein change: p.Ser28Phe; replaces serine 28 with phenylalanine.
Molecular consequence: missense variant.
Genome position (GRCh38, 1-based): chr15:71,810,826, C>T. VCF-style: chr15-71810826-C-T. GRCh37 (hg19) VCF-style: chr15-72103166-C-T.
Other names: c.83C>T, p.Ser28Phe (NM_016346.4); short protein forms S28F.
Identifiers: ClinVar variation 5003455 (VCV005003455.1).

ClinVar aggregate classification (germline): Uncertain significance (1 of 4 stars; one submission).

Conditions:
ENHANCED S-CONE SYNDROME 1 (ESCS1). Also called: RETINOSCHISIS WITH EARLY HEMERALOPIA; FAVRE HYALOIDEORETINAL DEGENERATION. Identifiers: MedGen CN380299, OMIM 268100.

Submission:

Myriad Genetics, Inc.
Classification: Uncertain significance for ENHANCED S-CONE SYNDROME 1. Last evaluated: 2026-04-21. Review status: criteria provided, single submitter. Criteria: Myriad Autosomal Dominant, Autosomal Recessive and X-Linked Classification Criteria (2023). Collection method: clinical testing. Allele origin: unknown.
Comment: NM_014249.2(NR2E3):c.83C>T(S28F) is a missense variant classified as a variant of uncertain significance in the context of enhanced S-cone syndrome. S28F has not been observed in cases with relevant disease. Relevant functional assessments of this variant are not available in the literature. S28F has been observed in referenced population frequency databases. In summary, there is insufficient evidence to classify NM_014249.2(NR2E3):c.83C>T(S28F) as pathogenic or benign. Please note: this variant was assessed in the context of healthy population screening.